The following is an entry in ClinVar:

NM_022089.4(ATP13A2):c.880C>T (p.Arg294Trp)

Gene: ATP13A2 (ATPase cation transporting 13A2; minus strand). Cytogenetic location: 1p36.13.
Variant type: single nucleotide variant.
Coding change: c.880C>T on transcript NM_022089.4 (MANE Select); coding-DNA position 880, C replaced by T.
Protein change: p.Arg294Trp; replaces arginine 294 with tryptophan.
Molecular consequence: missense variant.
Genome position (GRCh38, 1-based): chr1:17,000,273, G>A on the plus strand (C>T on the coding strand, the complement: ATP13A2 is on the minus strand). VCF-style: chr1-17000273-G-A. GRCh37 (hg19) VCF-style: chr1-17326768-G-A.
Other names: c.865C>T, p.Arg289Trp (NM_001141973.3, NM_001141974.3); short protein forms R289W, R294W.
Identifiers: ClinVar variation 1312723 (VCV001312723.7), dbSNP rs144898239, ClinGen allele CA637456.

ClinVar aggregate classification (germline): Uncertain significance. Review status: criteria provided, multiple submitters, no conflicts (2 of 4 stars). 2 submissions from 2 submitters: Uncertain significance (2). Last evaluated 2022-03-25.

Conditions:
Kufor-Rakeb syndrome (KRS). Also called: PARKINSON DISEASE 9, AUTOSOMAL RECESSIVE, JUVENILE-ONSET. Identifiers: Orphanet 306674, Orphanet 314632, MedGen C1847640, MONDO:0011706, OMIM 606693.
Autosomal recessive spastic paraplegia type 78. Identifiers: Orphanet 513436, MedGen C5567893, MONDO:0014975, OMIM 617225.

Allele frequency attached by ClinVar (database versions not stated): gnomAD 0.00008 and 0.00009; ESP Exome Variant Server 0.00023; ExAC 0.00025.
gnomAD v4.1: 41 of 1,403,524 alleles (0.0029%); highest among the groups gnomAD compares: African/African-American, 0.02%; no homozygotes.

Submissions (3):

Labcorp Genetics (formerly Invitae), Labcorp
Classification: Uncertain significance for Kufor-Rakeb syndrome; Autosomal recessive spastic paraplegia type 78. Last evaluated: 2022-03-25. Review status: criteria provided, single submitter. Criteria: Invitae Variant Classification Sherloc (09022015). Collection method: clinical testing. Allele origin: germline.
Comment: This sequence change replaces arginine, which is basic and polar, with tryptophan, which is neutral and slightly polar, at codon 294 of the ATP13A2 protein (p.Arg294Trp). The frequency data for this variant in the population databases is considered unreliable, as metrics indicate poor data quality at this position in the gnomAD database. This variant has not been reported in the literature in individuals affected with ATP13A2-related conditions. ClinVar contains an entry for this variant (Variation ID: 1312723). Advanced modeling of protein sequence and biophysical properties (such as structural, functional, and spatial information, amino acid conservation, physicochemical variation, residue mobility, and thermodynamic stability) performed at Invitae indicates that this missense variant is not expected to disrupt ATP13A2 protein function. Algorithms developed to predict the effect of sequence changes on RNA splicing suggest that this variant may create or strengthen a splice site. In summary, the available evidence is currently insufficient to determine the role of this variant in disease. Therefore, it has been classified as a Variant of Uncertain Significance.

GeneDx
Classification: Uncertain significance. Last evaluated: 2020-07-01. Review status: criteria provided, single submitter. Criteria: GeneDx Variant Classification Process June 2021. Collection method: clinical testing. Allele origin: germline. Affected: yes.
Comment: In silico analysis supports that this missense variant has a deleterious effect on protein structure/function; Has not been previously published as pathogenic or benign to our knowledge

Dr. Peter K. Rogan Lab, Western University
No classification provided (evidence only). Condition: Thyroid cancer, nonmedullary, 1. Review status: no classification provided. Collection method: in vitro. Allele origin: not applicable. Functional consequence: retained intron. Not counted in ClinVar's aggregate classification.